The following is an entry in ClinVar:

ClinVar aggregate classification (germline): Pathogenic/Likely pathogenic. Review status: criteria provided, multiple submitters, no conflicts (2 of 4 stars). 2 submissions from 2 submitters: Pathogenic (1); Likely pathogenic (1). Last evaluated 2026-01-02.

Conditions:
Hereditary cancer-predisposing syndrome. Also called: Neoplastic Syndromes, Hereditary; Tumor predisposition; Hereditary Cancer Syndrome; Hereditary neoplastic syndrome. Identifiers: Orphanet 140162, MedGen C0027672, MeSH D009386, MONDO:0015356.
Hereditary pheochromocytoma and paraganglioma. Also called: Hereditary paragangliomas and pheochromocytomas; Hereditary Paraganglioma-Pheochromocytoma Syndromes; Hereditary pheochromocytoma-paraganglioma. Identifiers: Orphanet 29072, MedGen C4274332, MONDO:0017366.

Submissions (2):

Ambry Genetics
Classification: Likely pathogenic for Hereditary cancer-predisposing syndrome. Last evaluated: 2026-01-02. Review status: criteria provided, single submitter. Criteria: Ambry Variant Classification Scheme 2023. Collection method: clinical testing. Allele origin: germline.
Comment: The c.516delC variant, located in coding exon 3 of the TMEM127 gene, results from a deletion of one nucleotide at nucleotide position 516, causing a translational frameshift with a predicted alternate stop codon (p.F173Sfs*134). This alteration occurs at the 3' terminus of the TMEM127 gene, is not expected to trigger nonsense-mediated mRNA decay and results in the elongation of the protein by 67 amino acids. This frameshift impacts the last 66 amino acids of the native protein. However, frameshifts are typically deleterious in nature, the impacted region is critical for protein function, and a significant portion of the protein is affected (Ambry internal data). Similar frameshifting elongations have been detected in individuals diagnosed with pheochromocytomas (Ambry internal data; Pat&oacute;cs A et al. Pathol Oncol Res 2016 Oct;22(4):673-9; Yu R et al. Endocrinol Diabetes Metab Case Rep 2017 May;2017; Armaiz-Pena G et al. J Clin Endocrinol Metab 2021 Jan;106(1):e350-e364). This variant is considered to be rare based on population cohorts in the Genome Aggregation Database (gnomAD). Based on the majority of available evidence to date, this variant is likely to be pathogenic.

Labcorp Genetics (formerly Invitae), Labcorp
Classification: Pathogenic for Hereditary pheochromocytoma and paraganglioma. Last evaluated: 2024-12-19. Review status: criteria provided, single submitter. Criteria: Invitae Variant Classification Sherloc (09022015). Collection method: clinical testing. Allele origin: germline.
Comment: This sequence change results in a frameshift in the TMEM127 gene (p.Phe173Serfs*134). While this is not anticipated to result in nonsense mediated decay, it is expected to disrupt the last 66 amino acid(s) of the TMEM127 protein and extend the protein by 67 additional amino acid residues. This variant is not present in population databases (gnomAD no frequency). This variant has not been reported in the literature in individuals affected with TMEM127-related conditions. ClinVar contains an entry for this variant (Variation ID: 3227082). This variant results in an extension of the TMEM127 protein. Other variant(s) that result in a similarly extended protein product (p.Thr191Argfs*116) have been determined to be pathogenic (PMID: 26960314, 28567294; internal data). This suggests that these extensions are likely to be disease-causing. For these reasons, this variant has been classified as Pathogenic.

Literature cited by the submitters: PubMed 26960314 (cited by Ambry Genetics and Labcorp Genetics (formerly Invitae), Labcorp); PubMed 28567294 (cited by Ambry Genetics and Labcorp Genetics (formerly Invitae), Labcorp); PubMed 33051659 (cited by Ambry Genetics).

NM_017849.4(TMEM127):c.516del (p.Phe173fs)

Gene: TMEM127 (transmembrane protein 127; minus strand). Cytogenetic location: 2q11.2.
Variant type: Deletion.
Coding change: c.516del on transcript NM_017849.4 (MANE Select); coding-DNA position 516, one base deleted (C; older notation c.516delC).
Protein change: p.Phe173fs; shifts the reading frame from phenylalanine 173.
Molecular consequence: frameshift variant.
Genome position (GRCh38, 1-based): chr2:96,254,009, G deleted on the plus strand (C on the coding strand, the reverse complement: TMEM127 is on the minus strand); the first of 2 consecutive G bases (chr2:96,254,009-96,254,010); deleting either gives the same sequence. VCF-style (leftmost placement, unchanged base first): chr2-96254008-AG-A. GRCh37 (hg19) VCF-style: chr2-96919746-AG-A.
Other names: c.516del, p.Phe173fs (NM_001193304.3); c.264del, p.Phe89fs (NM_001407282.1, NM_001407283.1); c.516delC (NM_017849.3); short protein forms F173fs, F89fs.
Identifiers: ClinVar variation 3227082 (VCV003227082.4), dbSNP rs2467263792, ClinGen allele CA2825001167.